The following is an entry in ClinVar:

ClinVar aggregate classification (germline): Pathogenic (1 of 4 stars; one submission).

Conditions:
Hereditary breast ovarian cancer syndrome. Also called: Hereditary breast and ovarian cancer syndrome; Breast and ovarian cancer; Hereditary breast and ovarian cancer; Hereditary breast and/or ovarian cancer syndrome; Hereditary breast and ovarian cancer syndrome (HBOC); BRCA1- and BRCA2-Associated Hereditary Breast and Ovarian Cancer. Identifiers: Orphanet 145, MedGen C0677776, MeSH D061325, MONDO:0003582. Disease mechanism: loss of function.

Submission:

Labcorp Genetics (formerly Invitae), Labcorp
Classification: Pathogenic for Hereditary breast ovarian cancer syndrome. Last evaluated: 2023-10-18. Review status: criteria provided, single submitter. Criteria: Invitae Variant Classification Sherloc (09022015). Collection method: clinical testing. Allele origin: germline.
Comment: This sequence change creates a premature translational stop signal (p.Glu2260Argfs*33) in the BRCA2 gene. It is expected to result in an absent or disrupted protein product. Loss-of-function variants in BRCA2 are known to be pathogenic (PMID: 20104584). This variant is not present in population databases (gnomAD no frequency). This variant has not been reported in the literature in individuals affected with BRCA2-related conditions. ClinVar contains an entry for this variant (Variation ID: 569115). RNA analysis performed to evaluate the impact of this premature translational stop signal on mRNA splicing indicates it does not significantly alter splicing (Invitae). For these reasons, this variant has been classified as Pathogenic.

Literature cited by the submitters: PubMed 20104584.

NM_000059.4(BRCA2):c.6777_6778insA (p.Glu2260fs)

Gene: BRCA2 (BRCA2 DNA repair associated; plus strand). Cytogenetic location: 13q13.1.
Variant type: Insertion.
Coding change: c.6777_6778insA on transcript NM_000059.4 (MANE Select); coding-DNA positions 6777 to 6778, A inserted.
Protein change: p.Glu2260fs; shifts the reading frame from glutamic acid 2260.
Molecular consequence: frameshift variant.
Genome position: GRCh38 VCF-style: chr13-32341132-T-TA. GRCh37 (hg19) VCF-style: chr13-32915269-T-TA.
Other names: short protein forms E2260fs.
Identifiers: ClinVar variation 569115 (VCV000569115.7), dbSNP rs1566235386, ClinGen allele CA891844178.